The following is an entry in ClinVar:

NM_000089.4(COL1A2):c.2359G>T (p.Gly787Cys)

Gene: COL1A2 (collagen type I alpha 2 chain; plus strand). Cytogenetic location: 7q21.3.
Variant type: single nucleotide variant.
Coding change: c.2359G>T on transcript NM_000089.4 (MANE Select); coding-DNA position 2359, G replaced by T.
Protein change: p.Gly787Cys; replaces glycine 787 with cysteine.
Molecular consequence: missense variant.
Genome position (GRCh38, 1-based): chr7:94,421,908, G>T. VCF-style: chr7-94421908-G-T. GRCh37 (hg19) VCF-style: chr7-94051220-G-T.
Other names: short protein forms G787C.
Identifiers: ClinVar variation 2925413 (VCV002925413.4), dbSNP rs72658187, ClinGen allele CA162937206.

ClinVar aggregate classification (germline): Pathogenic. Review status: criteria provided, multiple submitters, no conflicts (2 of 4 stars). 2 submissions from 2 submitters: Pathogenic (2). Last evaluated 2025-07-16.

Conditions:
Osteogenesis imperfecta type III (OI3). Also called: Osteogenesis imperfecta type 3; OI type 3; Osteogenesis imperfecta, progressively deforming with normal sclerae; OI type III; Progressively Deforming Osteogenesis Imperfecta. Identifiers: Orphanet 216812, Orphanet 666, MedGen C0268362, MONDO:0009804, OMIM 259420.
Osteogenesis imperfecta type I (OI1). Also called: Lobstein disease; OI, TYPE I; OSTEOGENESIS IMPERFECTA TARDA; OSTEOGENESIS IMPERFECTA WITH BLUE SCLERAE; Osteogenesis imperfecta type 1; Lobstein's Disease. Identifiers: Orphanet 216796, Orphanet 666, MedGen C0023931, MONDO:0008146, OMIM 166200. Disease mechanism: loss of function.
Ehlers-Danlos syndrome, classic type, 1 (EDSCL1). Also called: EDS I; EHLERS-DANLOS SYNDROME, GRAVIS TYPE; EHLERS-DANLOS SYNDROME, SEVERE CLASSIC TYPE; Ehlers-Danlos syndrome, type 1; Ehlers-Danlos Syndrome, Classic Type, COL5A1-Related. Identifiers: MedGen C0268335, MONDO:0019567, OMIM 130000.

Submissions (2):

Clinical Biomedical Laboratory, Shriners Hospital For Children - Canada
Classification: Pathogenic for Osteogenesis imperfecta type III. Last evaluated: 2025-07-16. Review status: criteria provided, single submitter. Criteria: ACMG Guidelines, 2015. Collection method: clinical testing. Allele origin: germline. Affected: yes.
Comment: This variant is predicted to replace a glycine residue by a cysteine residue in the triple helical domain of the collagen type I alpha2 chain. Glycine substitutions in the triple helical domain of collagen type I cause disruption in the formation of the triple helix in the collagen molecule and are a typical cause of osteogenesis imperfecta. This variant is not found the Genome Aggregation Database v2.1.1. Prediction tools (REVEL: 0.99) suggest that the change is damaging to protein function. This variant has been reported in the literature as a cause of osteogenesis imperfecta (PMID 10627137).

Labcorp Genetics (formerly Invitae), Labcorp
Classification: Pathogenic for Osteogenesis imperfecta type I; Ehlers-Danlos syndrome, classic type, 1. Last evaluated: 2023-03-02. Review status: criteria provided, single submitter. Criteria: Invitae Variant Classification Sherloc (09022015). Collection method: clinical testing. Allele origin: germline.
Comment: This variant is not present in population databases (gnomAD no frequency). This sequence change replaces glycine, which is neutral and non-polar, with cysteine, which is neutral and slightly polar, at codon 787 of the COL1A2 protein (p.Gly787Cys). This missense change has been observed in individual(s) with clinical features of autosomal dominant osteogenesis imperfecta (PMID: 10627137). For these reasons, this variant has been classified as Pathogenic. This variant disrupts the triple helix domain of COL1A2. Glycine residues within the Gly-Xaa-Yaa repeats of the triple helix domain are required for the structure and stability of fibrillar collagens (PMID: 7695699, 8218237, 19344236). In COL1A2, variants affecting these glycine residues are significantly enriched in individuals with disease (PMID: 9016532, 17078022) compared to the general population (ExAC). Advanced modeling of protein sequence and biophysical properties (such as structural, functional, and spatial information, amino acid conservation, physicochemical variation, residue mobility, and thermodynamic stability) performed at Invitae indicates that this missense variant is expected to disrupt COL1A2 protein function. This variant is also known as G697C.

Literature cited by the submitters: PubMed 10627137 (cited by Clinical Biomedical Laboratory, Shriners Hospital For Children - Canada and Labcorp Genetics (formerly Invitae), Labcorp); PubMed 7695699 (cited by Labcorp Genetics (formerly Invitae), Labcorp); PubMed 8218237 (cited by Labcorp Genetics (formerly Invitae), Labcorp); PubMed 19344236 (cited by Labcorp Genetics (formerly Invitae), Labcorp); PubMed 9016532 (cited by Labcorp Genetics (formerly Invitae), Labcorp); PubMed 17078022 (cited by Labcorp Genetics (formerly Invitae), Labcorp).